The following is an entry in ClinVar:

ClinVar aggregate classification (germline): Uncertain significance (1 of 4 stars; one submission).

Conditions:
Hereditary pancreatitis (PCTT). Also called: PRSS1-Related Hereditary Pancreatitis; Hereditary chronic pancreatitis. Identifiers: Orphanet 676, MedGen C0238339, MONDO:0008185, OMIM 167800.

Submission:

Ambry Genetics
Classification: Uncertain significance for Hereditary pancreatitis. Last evaluated: 2025-01-31. Review status: criteria provided, single submitter. Criteria: Ambry Variant Classification Scheme 2023. Collection method: clinical testing. Allele origin: germline.
Comment: The p.Q371L variant (also known as c.1112A>T), located in coding exon 10 of the CPA1 gene, results from an A to T substitution at nucleotide position 1112. The glutamine at codon 371 is replaced by leucine, an amino acid with dissimilar properties. This amino acid position is conserved. In addition, this alteration is predicted to be tolerated by in silico analysis. Based on the available evidence, the clinical significance of this variant remains unclear.

NM_001868.4(CPA1):c.1112A>T (p.Gln371Leu)

Gene: CPA1 (carboxypeptidase A1; plus strand). Cytogenetic location: 7q32.2.
Variant type: single nucleotide variant.
Coding change: c.1112A>T on transcript NM_001868.4 (MANE Select); coding-DNA position 1112, A replaced by T.
Protein change: p.Gln371Leu; replaces glutamine 371 with leucine.
Molecular consequence: missense variant.
Genome position (GRCh38, 1-based): chr7:130,387,863, A>T. VCF-style: chr7-130387863-A-T. GRCh37 (hg19) VCF-style: chr7-130027704-A-T.
Other names: short protein forms Q371L.
Identifiers: ClinVar variation 3835758 (VCV003835758.1).
Genomic context (GRCh38, chr7:130,387,863, plus strand): 5'-CCTATTTTACTCCTGCCCCAGATCAAGCCAGTGGAAGCACTATTGACTGGACCTACAGCC[A>T]GGGCATCAAGTACTCCTTCACCTTCGAGCTCCGGGACACTGGGCGCTATGGCTTCCTGCT-3'
Protein context (NP_001859.1, residues 361-381): SGSTIDWTYS[Gln371Leu]GIKYSFTFEL